The following is an entry in ClinVar:

ClinVar aggregate classification (germline): Pathogenic (3 of 4 stars; one submission).

Conditions:
Monogenic diabetes. Identifiers: Orphanet 183625, MedGen C3888631, MONDO:0015967.

Submission:

ClinGen Monogenic Diabetes Variant Curation Expert Panel
Classification: Pathogenic for Monogenic diabetes. Last evaluated: 2024-10-24. Review status: reviewed by expert panel. Criteria: ClinGen Diabetes ACMG Specifications HNF4A V2.0.0. Collection method: curation. Allele origin: germline. Inheritance: Autosomal dominant inheritance.
Comment: The c.1045C>T variant in the HNF4 homeobox A gene, HNF4A, results in a premature termination at codon 349 (p.(Gln349Ter)) of NM_175914.5. This variant, located in biologically-relevant exon 8 of 10, is predicted to lead to nonsense mediated decay in a gene in which loss-of-function is an established disease mechanism (PVS1; PMID: 23348805). This variant is absent from gnomAD v2.1.1 (PM2_Supporting). This variant was identified as a de novo occurrence with confirmed parental relationships in 1 individual whose clinical picture is highly specific for HNF4A-MODY (diazoxide-repsonsive hyperinsulinemic hypoglycemia and negative testing for KCNJ11 and ABCC8)(PS2; PP4; PMID: 20164212). In summary, c.1045C>T meets the criteria to be classified as pathogenic for monogenic diabetes. ACMG/AMP criteria applied, as specified by the ClinGen MDEP (specification version 2.0.0, approved 10/11/2023): PVS1, PS2, PM2_Supporting, PP4.

NM_175914.5(HNF4A):c.1045C>T (p.Gln349Ter)

Gene: HNF4A (hepatocyte nuclear factor 4 alpha; plus strand). Cytogenetic location: 20q13.12.
Variant type: single nucleotide variant.
Coding change: c.1045C>T on transcript NM_175914.5 (MANE Select); coding-DNA position 1045, C replaced by T.
Protein change: p.Gln349Ter; replaces glutamine 349 with a stop codon.
Molecular consequence: nonsense.
Genome position (GRCh38, 1-based): chr20:44,424,236, C>T. VCF-style: chr20-44424236-C-T. GRCh37 (hg19) VCF-style: chr20-43052876-C-T.
Other names: NM_175914.5:c.1045C>T; c.1111C>T, p.Gln371Ter (NM_000457.6, NM_178849.3, NM_178850.3); c.1045C>T, p.Gln349Ter (NM_001030003.3, NM_001030004.3); c.1090C>T, p.Gln364Ter (NM_001258355.2); c.1036C>T, p.Gln346Ter (NM_001287182.2, NM_001287183.2, NM_001287184.2); short protein forms Q346*, Q349*, Q364*, Q371*.
Identifiers: ClinVar variation 3370456 (VCV003370456.1).